The following is an entry in ClinVar:

ClinVar aggregate classification (germline): Uncertain significance (1 of 4 stars; one submission).

Conditions:
NCOA1-related disorder. Also called: NCOA1-related condition.

Submission:

PreventionGenetics, part of Exact Sciences
Classification: Uncertain significance for NCOA1-related condition. Last evaluated: 2025-06-17. Review status: criteria provided, single submitter. Criteria: ACMG Guidelines, 2015. Collection method: clinical testing. Allele origin: germline.
Comment: The NCOA1 c.2147C>T variant is predicted to result in the amino acid substitution p.Ser716Phe. To our knowledge, this variant has not been reported in the literature or in a large population database, indicating this variant is rare. At this time, the clinical significance of this variant is uncertain due to the absence of conclusive functional and genetic evidence.

NM_003743.5(NCOA1):c.2147C>T (p.Ser716Phe)

Gene: NCOA1 (nuclear receptor coactivator 1; plus strand). Cytogenetic location: 2p23.3.
Variant type: single nucleotide variant.
Coding change: c.2147C>T on transcript NM_003743.5 (MANE Select); coding-DNA position 2147, C replaced by T.
Protein change: p.Ser716Phe; replaces serine 716 with phenylalanine.
Molecular consequence: missense variant.
Genome position (GRCh38, 1-based): chr2:24,707,617, C>T. VCF-style: chr2-24707617-C-T. GRCh37 (hg19) VCF-style: chr2-24930486-C-T.
Other names: c.2147C>T, p.Ser716Phe (NM_001362950.1, NM_001362952.1, NM_001362954.1 and 3 more transcripts); short protein forms S716F.
Identifiers: ClinVar variation 3346763 (VCV003346763.2).